The following is an entry in ClinVar:

ClinVar aggregate classification (germline): Conflicting classifications of pathogenicity. Review status: criteria provided, conflicting classifications (1 of 4 stars). 8 submissions from 8 submitters: Uncertain significance (1); Likely benign (4). 3 of the submissions do not count toward it. Last evaluated 2026-01-28.

Conditions:
Autosomal recessive polycystic kidney disease (ARPKD). Also called: AR polycystic kidney disease. Identifiers: Orphanet 731, Orphanet 8378, MedGen C0085548, MeSH D017044, MONDO:0009889.

Allele frequency attached by ClinVar (database versions not stated): ESP Exome Variant Server 0.00008; gnomAD exomes 0.00015 and 0.00025; ExAC 0.00021; gnomAD 0.00045 and 0.00048; 1000 Genomes Project 0.00060; 1000 Genomes Project 30x 0.00078; TOPMed 0.00096.
gnomAD v4.1: 319 of 1,614,106 alleles (0.02%); highest among the groups gnomAD compares: Admixed American, 0.17%; no homozygotes.

Submissions (8):

Labcorp Genetics (formerly Invitae), Labcorp
Classification: Likely benign for Autosomal recessive polycystic kidney disease. Last evaluated: 2026-01-28. Review status: criteria provided, single submitter. Criteria: Invitae Variant Classification Sherloc (09022015). Collection method: clinical testing. Allele origin: germline.

Mayo Clinic Laboratories, Mayo Clinic
Classification: Likely benign. Last evaluated: 2025-06-09. Review status: criteria provided, single submitter. Criteria: ACMG Guidelines, 2015. Collection method: clinical testing. Allele origin: germline. Observed: 2 variant alleles.
Comment: BP4, BP7

Blueprint Genetics
Classification: Likely benign. Last evaluated: 2024-11-14. Review status: criteria provided, single submitter. Criteria: ACMG Guidelines, 2015. Collection method: clinical testing. Allele origin: germline.

CeGaT Center for Human Genetics Tuebingen
Classification: Likely benign. Last evaluated: 2024-11-01. Review status: criteria provided, single submitter. Criteria: CeGaT Center For Human Genetics Tuebingen Variant Classification Criteria Version 2. Collection method: clinical testing. Allele origin: germline. Affected: yes. Observed: 2 variant alleles.
Comment: PKHD1: BP4, BP7

Eurofins Ntd Llc (ga)
Classification: Uncertain significance. Last evaluated: 2018-02-15. Review status: criteria provided, single submitter. Criteria: EGL ClinVar v180209 classification definitions. Collection method: clinical testing. Allele origin: germline. Observed: 3 variant alleles, 3 heterozygotes.

Natera, Inc.
Classification: Likely benign for Autosomal recessive polycystic kidney disease. Last evaluated: 2019-08-05. Review status: no assertion criteria provided. Collection method: clinical testing. Allele origin: germline. Not counted in ClinVar's aggregate classification.

Genome Diagnostics Laboratory, University Medical Center Utrecht
Classification: Likely benign. Review status: no assertion criteria provided. Collection method: clinical testing. Allele origin: germline. Affected: yes. Study: VKGL Data-share Consensus. Not counted in ClinVar's aggregate classification.

Laboratory of Diagnostic Genome Analysis, Leiden University Medical Center (LUMC)
Classification: Likely benign. Review status: no assertion criteria provided. Collection method: clinical testing. Allele origin: germline. Affected: yes. Study: VKGL Data-share Consensus. Not counted in ClinVar's aggregate classification.

NM_138694.4(PKHD1):c.9363T>C (p.Asn3121=)

Gene: PKHD1 (PKHD1 ciliary IPT domain containing fibrocystin/polyductin; minus strand). Cytogenetic location: 6p12.3.
Variant type: single nucleotide variant.
Coding change: c.9363T>C on transcript NM_138694.4 (MANE Select); coding-DNA position 9363, T replaced by C.
Protein change: p.Asn3121=; no amino-acid change (asparagine 3121 retained).
Molecular consequence: synonymous variant.
Genome position (GRCh38, 1-based): chr6:51,748,253, A>G on the plus strand (T>C on the coding strand, the complement: PKHD1 is on the minus strand). VCF-style: chr6-51748253-A-G. GRCh37 (hg19) VCF-style: chr6-51613051-A-G.
Other names: p.Asn3121=; c.9363T>C, p.Asn3121= (NM_170724.3).
Identifiers: ClinVar variation 198015 (VCV000198015.36), dbSNP rs183674012, ClinGen allele CA246494.